The following is an entry in ClinVar:

ClinVar aggregate classification (germline): Uncertain significance. Review status: criteria provided, multiple submitters, no conflicts (2 of 4 stars). 2 submissions from 2 submitters: Uncertain significance (2). Last evaluated 2025-09-29.

Submissions (2):

Labcorp Genetics (formerly Invitae), Labcorp
Classification: Uncertain significance. Last evaluated: 2025-09-29. Review status: criteria provided, single submitter. Criteria: Invitae Variant Classification Sherloc (09022015). Collection method: clinical testing. Allele origin: germline.
Comment: This sequence change replaces arginine, which is basic and polar, with tryptophan, which is neutral and slightly polar, at codon 451 of the ARHGEF1 protein (p.Arg451Trp). The frequency data for this variant in the population databases is considered unreliable, as metrics indicate poor data quality at this position in the gnomAD database. This variant has not been reported in the literature in individuals affected with ARHGEF1-related conditions. ClinVar contains an entry for this variant (Variation ID: 3424945). An algorithm developed to predict the effect of missense changes on protein structure and function (PolyPhen-2) suggests that this variant is likely to be disruptive. In summary, the available evidence is currently insufficient to determine the role of this variant in disease. Therefore, it has been classified as a Variant of Uncertain Significance.

Ambry Genetics
Classification: Uncertain significance. Last evaluated: 2024-08-19. Review status: criteria provided, single submitter. Criteria: Ambry Variant Classification Scheme 2023. Collection method: clinical testing. Allele origin: germline.

NM_004706.4(ARHGEF1):c.1306C>T (p.Arg436Trp)

Gene: ARHGEF1 (Rho guanine nucleotide exchange factor 1; plus strand). Cytogenetic location: 19q13.2.
Variant type: single nucleotide variant.
Coding change: c.1306C>T on transcript NM_004706.4 (MANE Select); coding-DNA position 1306, C replaced by T.
Protein change: p.Arg436Trp; replaces arginine 436 with tryptophan.
Molecular consequence: missense variant. On other transcripts: non-coding transcript variant (2).
Genome position (GRCh38, 1-based): chr19:41,901,925, C>T. VCF-style: chr19-41901925-C-T. GRCh37 (hg19) VCF-style: chr19-42406075-C-T.
Other names: c.1474C>T, p.Arg492Trp (NM_001396000.1); c.1207C>T, p.Arg403Trp (NM_001396002.1, NM_001396004.1, NM_198977.2); c.1306C>T, p.Arg436Trp (NM_001396003.1, NM_001396006.1); c.1351C>T, p.Arg451Trp (NM_199002.2); short protein forms R403W, R451W, R492W, R436W.
Identifiers: ClinVar variation 3424945 (VCV003424945.2).